The following is an entry in ClinVar:

ClinVar aggregate classification (germline): Pathogenic/Likely pathogenic. Review status: criteria provided, multiple submitters, no conflicts (2 of 4 stars). 3 submissions from 3 submitters: Pathogenic (1); Likely pathogenic (1). 1 of the submissions does not count toward it. Last evaluated 2025-03-17.

Conditions:
SLC5A1-related disorder. Also called: SLC5A1-related condition.
Congenital glucose-galactose malabsorption (GGM). Also called: DIARRHEA 16; MONOSACCHARIDE MALABSORPTION. Identifiers: Orphanet 35710, MedGen C0268186, MONDO:0011731, OMIM 606824.

Allele frequency attached by ClinVar (database versions not stated): gnomAD exomes below 0.00001.
gnomAD v4.1: 3 of 1,614,166 alleles (0.00019%); highest among the groups gnomAD compares: African/African-American, 0.0013%; no homozygotes.

Submissions (3):

Labcorp Genetics (formerly Invitae), Labcorp
Classification: Likely pathogenic for Congenital glucose-galactose malabsorption. Last evaluated: 2025-03-17. Review status: criteria provided, single submitter. Criteria: Invitae Variant Classification Sherloc (09022015). Collection method: clinical testing. Allele origin: germline.
Comment: This sequence change replaces aspartic acid, which is acidic and polar, with asparagine, which is neutral and polar, at codon 28 of the SLC5A1 protein (p.Asp28Asn). This variant is not present in population databases (gnomAD no frequency). This missense change has been observed in individual(s) with glucose/galactose malabsorption (PMID: 2008213). It has also been observed to segregate with disease in related individuals. ClinVar contains an entry for this variant (Variation ID: 12907). Invitae Evidence Modeling of protein sequence and biophysical properties (such as structural, functional, and spatial information, amino acid conservation, physicochemical variation, residue mobility, and thermodynamic stability) indicates that this missense variant is expected to disrupt SLC5A1 protein function with a positive predictive value of 95%. Experimental studies have shown that this missense change affects SLC5A1 function (PMID: 2008213). This variant disrupts the p.Asp28 amino acid residue in SLC5A1. Other variant(s) that disrupt this residue have been observed in individuals with SLC5A1-related conditions (PMID: 8563765, 17903058), which suggests that this may be a clinically significant amino acid residue. In summary, the currently available evidence indicates that the variant is pathogenic, but additional data are needed to prove that conclusively. Therefore, this variant has been classified as Likely Pathogenic.

Blueprint Genetics
Classification: Pathogenic for SLC5A1-related disorders. Last evaluated: 2021-01-26. Review status: criteria provided, single submitter. Criteria: ACMG Guidelines, 2015. Collection method: clinical testing. Allele origin: germline. Affected: yes. Observed: 2 variant alleles.

OMIM
Classification: Pathogenic for GLUCOSE/GALACTOSE MALABSORPTION. Last evaluated: 1996-05-01. Review status: no assertion criteria provided. Collection method: literature only. Allele origin: germline. Not counted in ClinVar's aggregate classification.

Literature cited by the submitters: PubMed 2008213 (cited by Labcorp Genetics (formerly Invitae), Labcorp and OMIM); PubMed 8563765 (cited by Labcorp Genetics (formerly Invitae), Labcorp); PubMed 17903058 (cited by Labcorp Genetics (formerly Invitae), Labcorp); PubMed 9309206 (cited by OMIM); PubMed 8844006 (cited by OMIM).

NM_000343.4(SLC5A1):c.82G>A (p.Asp28Asn)

Gene: SLC5A1 (solute carrier family 5 member 1; plus strand). Cytogenetic location: 22q12.3.
Variant type: single nucleotide variant.
Coding change: c.82G>A on transcript NM_000343.4 (MANE Select); coding-DNA position 82, G replaced by A.
Protein change: p.Asp28Asn; replaces aspartic acid 28 with asparagine.
Molecular consequence: missense variant.
Genome position (GRCh38, 1-based): chr22:32,043,363, G>A. VCF-style: chr22-32043363-G-A. GRCh37 (hg19) VCF-style: chr22-32439350-G-A.
Other names: short protein forms D28N.
Identifiers: ClinVar variation 12907 (VCV000012907.6), dbSNP rs121912668, ClinGen allele CA122781.